The following is an entry in ClinVar:

ClinVar aggregate classification (germline): Uncertain significance (1 of 4 stars; one submission).

Conditions:
Hereditary sensory and autonomic neuropathy type 6. Also called: HSAN VI; Neuropathy, hereditary sensory and autonomic, type VI. Identifiers: Orphanet 314381, MedGen C3539003, MONDO:0013839, OMIM 614653.
Epidermolysis bullosa simplex 3, localized or generalized intermediate, with BP230 deficiency (EBS3). Also called: Epidermolysis bullosa simplex, autosomal recessive 2; Epidermolysis bullosa simplex due to BP230 deficiency. Identifiers: Orphanet 412181, MedGen C3809470, MONDO:0014180, OMIM 615425.

Allele frequency attached by ClinVar (database versions not stated): gnomAD exomes below 0.00001 and 0.00001; ExAC 0.00001.
gnomAD v4.1: 7 of 1,614,124 alleles (0.00043%); highest among the groups gnomAD compares: Non-Finnish European, 0.00059%; no homozygotes.

Submission:

Labcorp Genetics (formerly Invitae), Labcorp
Classification: Uncertain significance for Epidermolysis bullosa simplex 3, localized or generalized intermediate, with BP230 deficiency; Hereditary sensory and autonomic neuropathy type 6. Last evaluated: 2016-10-08. Review status: criteria provided, single submitter. Criteria: Invitae Variant Classification Sherloc (09022015). Collection method: clinical testing. Allele origin: germline.
Comment: This sequence change replaces arginine with glutamine at codon 2308 of the DST protein (p.Arg2308Gln). The arginine residue is weakly conserved and there is a small physicochemical difference between arginine and glutamine. This variant is present in population databases (rs748751197, ExAC 0.001%) but has not been reported in the literature in individuals with a DST-related disease. Algorithms developed to predict the effect of missense changes on protein structure and function (SIFT, PolyPhen-2, Align-GVGD) all suggest that this variant is likely to be tolerated, but these predictions have not been confirmed by published functional studies. In summary, this variant is a rare missense change that is not predicted to affect protein function. There is no indication that it causes disease, but the available evidence is currently insufficient to prove that conclusively. Therefore, it has been classified as a Variant of Uncertain Significance.

NM_001723.7(DST):c.6923G>A (p.Arg2308Gln)

Gene: DST (dystonin; minus strand). Cytogenetic location: 6p12.1.
Variant type: single nucleotide variant.
Coding change: c.6923G>A on transcript NM_001723.7 (MANE Plus Clinical); coding-DNA position 6923, G replaced by A.
Protein change: p.Arg2308Gln; replaces arginine 2308 with glutamine.
Molecular consequence: missense variant. On other transcripts: intron variant (10).
Genome position (GRCh38, 1-based): chr6:56,616,544, C>T on the plus strand (G>A on the coding strand, the complement: DST is on the minus strand). VCF-style: chr6-56616544-C-T. GRCh37 (hg19) VCF-style: chr6-56481342-C-T.
Other names: c.4831-2060G>A (NM_001144769.5); c.4930-2060G>A (NM_001374722.1, NM_001374736.1); c.4957-2060G>A (NM_001374734.1); c.4417-2060G>A (NM_001144770.2); c.4297-2060G>A (NM_001374730.1, NM_001386100.1, NM_183380.4 and 1 more transcripts); c.3319-2060G>A (NM_015548.5); short protein forms R2308Q.
Identifiers: ClinVar variation 474547 (VCV000474547.1), dbSNP rs748751197, ClinGen allele CA3870064.